The following is an entry in ClinVar:

ClinVar aggregate classification (germline): Uncertain significance (1 of 4 stars; one submission).

Allele frequency attached by ClinVar (database versions not stated): gnomAD exomes 0.00003; TOPMed 0.00003; ExAC 0.00002; gnomAD 0.00003.
gnomAD v4.1: 52 of 1,600,734 alleles (0.0032%); highest among the groups gnomAD compares: Non-Finnish European, 0.004%; no homozygotes.

Submission:

Labcorp Genetics (formerly Invitae), Labcorp
Classification: Uncertain significance. Last evaluated: 2025-08-08. Review status: criteria provided, single submitter. Criteria: Invitae Variant Classification Sherloc (09022015). Collection method: clinical testing. Allele origin: germline.
Comment: This sequence change replaces arginine, which is basic and polar, with cysteine, which is neutral and slightly polar, at codon 308 of the GRIN2D protein (p.Arg308Cys). The frequency data for this variant in the population databases is considered unreliable, as metrics indicate poor data quality at this position in the gnomAD database. This missense change has been observed in individual(s) with schizophrenia (PMID: 29317596). ClinVar contains an entry for this variant (Variation ID: 1519473). Invitae Evidence Modeling of protein sequence and biophysical properties (such as structural, functional, and spatial information, amino acid conservation, physicochemical variation, residue mobility, and thermodynamic stability) indicates that this missense variant is not expected to disrupt GRIN2D protein function with a negative predictive value of 80%. In summary, the available evidence is currently insufficient to determine the role of this variant in disease. Therefore, it has been classified as a Variant of Uncertain Significance.

Literature cited by the submitters: PubMed 29317596.

NM_000836.4(GRIN2D):c.922C>T (p.Arg308Cys)

Gene: GRIN2D (glutamate ionotropic receptor NMDA type subunit 2D; plus strand). Cytogenetic location: 19q13.33.
Variant type: single nucleotide variant.
Coding change: c.922C>T on transcript NM_000836.4 (MANE Select); coding-DNA position 922, C replaced by T.
Protein change: p.Arg308Cys; replaces arginine 308 with cysteine.
Molecular consequence: missense variant.
Genome position (GRCh38, 1-based): chr19:48,405,190, C>T. VCF-style: chr19-48405190-C-T. GRCh37 (hg19) VCF-style: chr19-48908447-C-T.
Other names: short protein forms R308C.
Identifiers: ClinVar variation 1519473 (VCV001519473.6), dbSNP rs746751166, ClinGen allele CA9550412.